The following is an entry in ClinVar:

ClinVar aggregate classification (germline): Uncertain significance. Review status: criteria provided, multiple submitters, no conflicts (2 of 4 stars). 2 submissions from 2 submitters: Uncertain significance (2). Last evaluated 2024-04-19.

Allele frequency attached by ClinVar (database versions not stated): gnomAD exomes 0.00001; ExAC 0.00002; gnomAD 0.00007; TOPMed 0.00011; ESP Exome Variant Server 0.00016.
gnomAD v4.1: 23 of 1,613,838 alleles (0.0014%); highest among the groups gnomAD compares: African/African-American, 0.029%; no homozygotes.

Submissions (2):

Clinical Genomics Laboratory, Washington University in St. Louis
Classification: Uncertain significance. Last evaluated: 2024-04-19. Review status: criteria provided, single submitter. Criteria: ACMG Guidelines, 2015. Collection method: clinical testing. Allele origin: germline.
Comment: The FAT1 c.4246C>T (p.Pro1416Ser) variant has been reported in one individual affected with adult T-cell leukemia lymphoma in the medical literature (Shah UA et al., PMID: 30104217) but has not been reported in association with renal disease. This variant is only observed on 7/280,650 alleles in the general population (gnomAD v.2.1.1), indicating it is not a common variant. Computational predictors suggest that the variant does not impact FAT1 function. Due to limited information, and based on ACMG/AMP guidelines for variant interpretation (Richards S et al., PMID: 25741868), the clinical significance of this variant is uncertain at this time.

Labcorp Genetics (formerly Invitae), Labcorp
Classification: Uncertain significance. Last evaluated: 2023-10-18. Review status: criteria provided, single submitter. Criteria: Invitae Variant Classification Sherloc (09022015). Collection method: clinical testing. Allele origin: germline.
Comment: This sequence change replaces proline, which is neutral and non-polar, with serine, which is neutral and polar, at codon 1416 of the FAT1 protein (p.Pro1416Ser). This variant is present in population databases (rs372883790, gnomAD 0.03%). This variant has not been reported in the literature in individuals affected with FAT1-related conditions. Advanced modeling of protein sequence and biophysical properties (such as structural, functional, and spatial information, amino acid conservation, physicochemical variation, residue mobility, and thermodynamic stability) performed at Invitae indicates that this missense variant is not expected to disrupt FAT1 protein function. In summary, the available evidence is currently insufficient to determine the role of this variant in disease. Therefore, it has been classified as a Variant of Uncertain Significance.

NM_005245.4(FAT1):c.4246C>T (p.Pro1416Ser)

Gene: FAT1 (FAT atypical cadherin 1; minus strand). Cytogenetic location: 4q35.2.
Variant type: single nucleotide variant.
Coding change: c.4246C>T on transcript NM_005245.4 (MANE Select); coding-DNA position 4246, C replaced by T.
Protein change: p.Pro1416Ser; replaces proline 1416 with serine.
Molecular consequence: missense variant.
Genome position (GRCh38, 1-based): chr4:186,633,761, G>A on the plus strand (C>T on the coding strand, the complement: FAT1 is on the minus strand). VCF-style: chr4-186633761-G-A. GRCh37 (hg19) VCF-style: chr4-187554915-G-A.
Other names: short protein forms P1416S.
Identifiers: ClinVar variation 2715557 (VCV002715557.4), dbSNP rs372883790, ClinGen allele CA3166766.